The following is an entry in ClinVar:

NM_002576.5(PAK1):c.529G>A (p.Glu177Lys)

Gene: PAK1 (p21 (RAC1) activated kinase 1; minus strand). Cytogenetic location: 11q13.5.
Variant type: single nucleotide variant.
Coding change: c.529G>A on transcript NM_002576.5 (MANE Select); coding-DNA position 529, G replaced by A.
Protein change: p.Glu177Lys; replaces glutamic acid 177 with lysine.
Molecular consequence: missense variant. On other transcripts: non-coding transcript variant (2).
Genome position (GRCh38, 1-based): chr11:77,358,966, C>T on the plus strand (G>A on the coding strand, the complement: PAK1 is on the minus strand). VCF-style: chr11-77358966-C-T. GRCh37 (hg19) VCF-style: chr11-77070011-C-T.
Other names: c.529G>A, p.Glu177Lys (NM_001128620.2, NM_001376268.1, NM_001376269.1 and 26 more transcripts); c.550G>A, p.Glu184Lys (NM_001376272.1); c.280G>A, p.Glu94Lys (NM_001376301.1); c.235G>A, p.Glu79Lys (NM_001376302.1, NM_001376304.1, NM_001376305.1); short protein forms E177K, E184K, E79K, E94K.
Identifiers: ClinVar variation 3392865 (VCV003392865.1).
Genomic context (GRCh38, chr11:77,358,966, plus strand): 5'-TGTGCTCTGGGCGTGGAGCAATCACTGGTGGTGGGGTAGCATCATCATCATCATCATCCT[C>T]ATCTTCTGAAACTGGTGGCACTGCAGGAGTCTCAGACACAGCCTTCACATTCTGTGCAAA-3'
Protein context (NP_002567.3, residues 167-187): TPAVPPVSED[Glu177Lys]DDDDDDATPP

ClinVar aggregate classification (germline): Uncertain significance (1 of 4 stars; one submission).

Submission:

GeneDx
Classification: Uncertain significance. Last evaluated: 2024-06-24. Review status: criteria provided, single submitter. Criteria: GeneDx Variant Classification Process June 2021. Collection method: clinical testing. Allele origin: germline. Affected: yes.
Comment: Not observed at significant frequency in large population cohorts (gnomAD); In silico analysis indicates that this missense variant does not alter protein structure/function; Has not been previously published as pathogenic or benign to our knowledge